The following is an entry in ClinVar:

NM_004830.4(MED23):c.3058G>A (p.Ala1020Thr)

Gene: MED23 (mediator complex subunit 23; minus strand). Cytogenetic location: 6q23.2.
Variant type: single nucleotide variant.
Coding change: c.3058G>A on transcript NM_004830.4 (MANE Select); coding-DNA position 3058, G replaced by A.
Protein change: p.Ala1020Thr; replaces alanine 1020 with threonine.
Molecular consequence: missense variant.
Genome position (GRCh38, 1-based): chr6:131,594,273, C>T on the plus strand (G>A on the coding strand, the complement: MED23 is on the minus strand). VCF-style: chr6-131594273-C-T. GRCh37 (hg19) VCF-style: chr6-131915413-C-T.
Other names: c.2917G>A, p.Ala973Thr (NM_001376520.1); c.3058G>A, p.Ala1020Thr (NM_001270521.2, NM_001270522.2); c.3076G>A, p.Ala1026Thr (NM_001376517.1, NM_015979.4); c.3004G>A, p.Ala1002Thr (NM_001376518.1); c.2920G>A, p.Ala974Thr (NM_001376519.1, NM_001376521.1); c.2887G>A, p.Ala963Thr (NM_001376522.1); c.2803G>A, p.Ala935Thr (NM_001376523.1); c.2671G>A, p.Ala891Thr (NM_001376524.1); short protein forms A891T, A1002T, A963T, A973T, A1020T, A1026T, A935T, A974T.
Identifiers: ClinVar variation 1727313 (VCV001727313.2), dbSNP rs773757521, ClinGen allele CA3999691.

ClinVar aggregate classification (germline): Uncertain significance (1 of 4 stars; one submission).

Conditions:
Inborn genetic diseases. Identifiers: MedGen C0950123, MeSH D030342.

Allele frequency attached by ClinVar (database versions not stated): ExAC 0.00002.
gnomAD v4.1: 31 of 1,613,942 alleles (0.0019%); highest among the groups gnomAD compares: African/African-American, 0.0093%; no homozygotes.

Submission:

Ambry Genetics
Classification: Uncertain significance for Inborn genetic diseases. Last evaluated: 2019-11-23. Review status: criteria provided, single submitter. Criteria: Ambry Variant Classification Scheme 2023. Collection method: clinical testing. Allele origin: germline.
Comment: The p.A1026T variant (also known as c.3076G>A), located in coding exon 24 of the MED23 gene, results from a G to A substitution at nucleotide position 3076. The alanine at codon 1026 is replaced by threonine, an amino acid with similar properties. This amino acid position is poorly conserved in available vertebrate species. In addition, this alteration is predicted to be tolerated by in silico analysis. Since supporting evidence is limited at this time, the clinical significance of this alteration remains unclear.